The following is an entry in ClinVar:

ClinVar aggregate classification (germline): Uncertain significance (1 of 4 stars; one submission).

gnomAD v4.1: 9 of 1,614,120 alleles (0.00056%); highest among the groups gnomAD compares: Non-Finnish European, 0.00076%; no homozygotes.

Submission:

Labcorp Genetics (formerly Invitae), Labcorp
Classification: Uncertain significance. Last evaluated: 2025-06-10. Review status: criteria provided, single submitter. Criteria: Invitae Variant Classification Sherloc (09022015). Collection method: clinical testing. Allele origin: germline.
Comment: This sequence change replaces valine, which is neutral and non-polar, with glycine, which is neutral and non-polar, at codon 115 of the TCF20 protein (p.Val115Gly). This variant is present in population databases (no rsID available, gnomAD 0.002%). This variant has not been reported in the literature in individuals affected with TCF20-related conditions. An algorithm developed to predict the effect of missense changes on protein structure and function (PolyPhen-2) suggests that this variant is likely to be disruptive. In summary, the available evidence is currently insufficient to determine the role of this variant in disease. Therefore, it has been classified as a Variant of Uncertain Significance.

NM_001378418.1(TCF20):c.344T>G (p.Val115Gly)

Gene: TCF20 (transcription factor 20; minus strand). Cytogenetic location: 22q13.2.
Variant type: single nucleotide variant.
Coding change: c.344T>G on transcript NM_001378418.1 (MANE Select); coding-DNA position 344, T replaced by G.
Protein change: p.Val115Gly; replaces valine 115 with glycine.
Molecular consequence: missense variant.
Genome position (GRCh38, 1-based): chr22:42,214,962, A>C on the plus strand (T>G on the coding strand, the complement: TCF20 is on the minus strand). VCF-style: chr22-42214962-A-C. GRCh37 (hg19) VCF-style: chr22-42610968-A-C.
Other names: c.344T>G, p.Val115Gly (NM_005650.4, NM_181492.3); short protein forms V115G.
Identifiers: ClinVar variation 4777838 (VCV004777838.1).